The following is an entry in ClinVar:

NM_153633.3(HOXC4):c.387C>A (p.Ala129=)

Gene: HOXC4 (homeobox C4; plus strand). Cytogenetic location: 12q13.13.
Variant type: single nucleotide variant.
Coding change: c.387C>A on transcript NM_153633.3 (MANE Select); coding-DNA position 387, C replaced by A.
Protein change: p.Ala129=; no amino-acid change (alanine 129 retained).
Molecular consequence: synonymous variant.
Genome position (GRCh38, 1-based): chr12:54,054,309, C>A. VCF-style: chr12-54054309-C-A. GRCh37 (hg19) VCF-style: chr12-54448093-C-A.
Other names: c.387C>A, p.Ala129= (NM_014620.6).
Identifiers: ClinVar variation 2643053 (VCV002643053.24), dbSNP rs1478356894, ClinGen allele CA480093551.

ClinVar aggregate classification (germline): Likely benign (1 of 4 stars; one submission).

Submission:

CeGaT Center for Human Genetics Tuebingen
Classification: Likely benign. Last evaluated: 2023-03-01. Review status: criteria provided, single submitter. Criteria: CeGaT Center For Human Genetics Tuebingen Variant Classification Criteria Version 2. Collection method: clinical testing. Allele origin: germline. Affected: yes. Observed: 2 variant alleles.
Comment: HOXC4: BP4, BP7